The following is an entry in ClinVar:

ClinVar aggregate classification (germline): Uncertain significance (1 of 4 stars; one submission).

Allele frequency attached by ClinVar (database versions not stated): gnomAD exomes below 0.00001.
gnomAD v4.1: 1 of 1,614,178 alleles (0.000062%); highest among the groups gnomAD compares: Admixed American, 0.0017%; no homozygotes.

Submission:

Labcorp Genetics (formerly Invitae), Labcorp
Classification: Uncertain significance. Last evaluated: 2022-03-09. Review status: criteria provided, single submitter. Criteria: Invitae Variant Classification Sherloc (09022015). Collection method: clinical testing. Allele origin: germline.
Comment: This variant is present in population databases (no rsID available, gnomAD 0.0009%). This variant has not been reported in the literature in individuals affected with RP1L1-related conditions. Advanced modeling of protein sequence and biophysical properties (such as structural, functional, and spatial information, amino acid conservation, physicochemical variation, residue mobility, and thermodynamic stability) performed at Invitae indicates that this missense variant is not expected to disrupt RP1L1 protein function. In summary, the available evidence is currently insufficient to determine the role of this variant in disease. Therefore, it has been classified as a Variant of Uncertain Significance. This sequence change replaces lysine, which is basic and polar, with arginine, which is basic and polar, at codon 158 of the RP1L1 protein (p.Lys158Arg).

NM_178857.6(RP1L1):c.473A>G (p.Lys158Arg)

Gene: RP1L1 (RP1 like 1). Cytogenetic location: 8p23.1.
Variant type: single nucleotide variant.
Coding change: c.473A>G on transcript NM_178857.6 (MANE Select); coding-DNA position 473, A replaced by G.
Protein change: p.Lys158Arg; replaces lysine 158 with arginine.
Molecular consequence: missense variant.
Genome position (GRCh38, 1-based): chr8:10,622,729, T>C on the plus strand (A>G on the coding strand, the complement: RP1L1 is on the minus strand). VCF-style: chr8-10622729-T-C. GRCh37 (hg19) VCF-style: chr8-10480239-T-C.
Other names: short protein forms K158R.
Identifiers: ClinVar variation 1470816 (VCV001470816.6), dbSNP rs1337509737, ClinGen allele CA370300060.
Genomic context (GRCh38, chr8:10,622,729, plus strand): 5'-AGGTTCCTAGTATTCCTGTGACTGAGAACCACTGTCTGCTGGAGGCGAGGGTCCATGTTC[T>C]TAATCAGCAGTATCCTCCGGGGGGTTTTAAGACTCTTCCGGGAGGAGGAGGTGCCTGGGG-3'
Protein context (NP_849188.4, residues 148-168): LKTPRRILLI[Lys158Arg]NMDPRLQQTV